The following is an entry in ClinVar:

NM_005359.6(SMAD4):c.956-5T>C

Gene: SMAD4 (SMAD family member 4; plus strand). Cytogenetic location: 18q21.2.
Variant type: single nucleotide variant.
Coding change: c.956-5T>C on transcript NM_005359.6 (MANE Select); 5 bases into the intron before coding-DNA position 956, T replaced by C.
Molecular consequence: intron variant.
Genome position (GRCh38, 1-based): chr18:51,065,418, T>C. VCF-style: chr18-51065418-T-C. GRCh37 (hg19) VCF-style: chr18-48591788-T-C.
Identifiers: ClinVar variation 383541 (VCV000383541.2), dbSNP rs1057521660, ClinGen allele CA16607989.
Genomic context (GRCh38, chr18:51,065,418, plus strand): 5'-GAGTGCAAGTGAAAGCCTTATATCTTTCTCATGGGAGGATGTTCTTTCCCATTTATTTCC[T>C]ATAGCTCCTGAGTATTGGTGTTCCATTGCTTACTTTGAAATGGATGTTCAGGTAGGAGAG-3'

ClinVar aggregate classification (germline): Conflicting classifications of pathogenicity. Review status: criteria provided, conflicting classifications (1 of 4 stars). 2 submissions from 2 submitters: Uncertain significance (1); Likely benign (1). Last evaluated 2024-12-31.

Conditions:
Familial thoracic aortic aneurysm and aortic dissection (TAAD). Also called: Thoracic aortic aneurysms and dissections. Identifiers: Orphanet 91387, MedGen C4707243, MONDO:0019625.
Hereditary cancer-predisposing syndrome. Also called: Hereditary Cancer Syndrome; Hereditary neoplastic syndrome; Neoplastic Syndromes, Hereditary; Tumor predisposition. Identifiers: Orphanet 140162, MedGen C0027672, MeSH D009386, MONDO:0015356.

Submissions (2):

Ambry Genetics
Classification: Uncertain significance for Hereditary cancer-predisposing syndrome; Familial thoracic aortic aneurysm and aortic dissection. Last evaluated: 2024-12-31. Review status: criteria provided, single submitter. Criteria: Ambry Variant Classification Scheme 2023. Collection method: clinical testing. Allele origin: germline.
Comment: The c.956-5T>C intronic variant results from a T to C substitution 5 nucleotides upstream from coding exon 8 in the SMAD4 gene. This nucleotide position is well conserved in available vertebrate species. In silico splice site analysis predicts that this alteration will not have any significant effect on splicing. Based on the available evidence, the clinical significance of this variant remains unclear.

GeneDx
Classification: Likely benign. Last evaluated: 2016-02-02. Review status: criteria provided, single submitter. Criteria: GeneDx Variant Classification (06012015). Collection method: clinical testing. Allele origin: germline. Affected: yes.
Comment: This variant is considered likely benign or benign based on one or more of the following criteria: it is a conservative change, it occurs at a poorly conserved position in the protein, it is predicted to be benign by multiple in silico algorithms, and/or has population frequency not consistent with disease.